The following is an entry in ClinVar:

ClinVar aggregate classification (germline): Uncertain significance (1 of 4 stars; one submission).

Conditions:
Hereditary cancer-predisposing syndrome. Also called: Neoplastic Syndromes, Hereditary; Tumor predisposition; Hereditary Cancer Syndrome; Hereditary neoplastic syndrome. Identifiers: Orphanet 140162, MedGen C0027672, MeSH D009386, MONDO:0015356.

gnomAD v4.1: 3 of 1,608,108 alleles (0.00019%); highest among the groups gnomAD compares: Non-Finnish European, 0.00026%; no homozygotes.

Submission:

Ambry Genetics
Classification: Uncertain significance for Hereditary cancer-predisposing syndrome. Last evaluated: 2021-04-12. Review status: criteria provided, single submitter. Criteria: Ambry Variant Classification Scheme 2023. Collection method: clinical testing. Allele origin: germline.
Comment: The p.L25F variant (also known as c.75A>C), located in coding exon 1 of the BLM gene, results from an A to C substitution at nucleotide position 75. The leucine at codon 25 is replaced by phenylalanine, an amino acid with highly similar properties. This amino acid position is well conserved in available vertebrate species. In addition, this alteration is predicted to be tolerated by in silico analysis. Since supporting evidence is limited at this time, the clinical significance of this alteration remains unclear.

NM_000057.4(BLM):c.75A>C (p.Leu25Phe)

Gene: BLM (BLM RecQ like helicase; plus strand). Cytogenetic location: 15q26.1.
Variant type: single nucleotide variant.
Coding change: c.75A>C on transcript NM_000057.4 (MANE Select); coding-DNA position 75, A replaced by C.
Protein change: p.Leu25Phe; replaces leucine 25 with phenylalanine.
Molecular consequence: missense variant. On other transcripts: 5 prime UTR variant (1).
Genome position (GRCh38, 1-based): chr15:90,747,467, A>C. VCF-style: chr15-90747467-A-C. GRCh37 (hg19) VCF-style: chr15-91290697-A-C.
Other names: c.75A>C, p.Leu25Phe (NM_001287246.2, NM_001287247.2); c.-1217A>C (NM_001287248.2); short protein forms L25F.
Identifiers: ClinVar variation 1759713 (VCV001759713.2), dbSNP rs1276887266, ClinGen allele CA393838963.